The following is an entry in ClinVar:

ClinVar aggregate classification (germline): Uncertain significance (1 of 4 stars; one submission).

Submission:

Labcorp Genetics (formerly Invitae), Labcorp
Classification: Uncertain significance. Last evaluated: 2022-04-15. Review status: criteria provided, single submitter. Criteria: Invitae Variant Classification Sherloc (09022015). Collection method: clinical testing. Allele origin: germline.
Comment: This sequence change replaces tyrosine, which is neutral and polar, with phenylalanine, which is neutral and non-polar, at codon 1069 of the HMCN1 protein (p.Tyr1069Phe). This variant is not present in population databases (gnomAD no frequency). This variant has not been reported in the literature in individuals affected with HMCN1-related conditions. Algorithms developed to predict the effect of missense changes on protein structure and function are either unavailable or do not agree on the potential impact of this missense change (SIFT: "Deleterious"; PolyPhen-2: "Probably Damaging"; Align-GVGD: "Class C0"). In summary, the available evidence is currently insufficient to determine the role of this variant in disease. Therefore, it has been classified as a Variant of Uncertain Significance.

NM_031935.3(HMCN1):c.3206A>T (p.Tyr1069Phe)

Gene: HMCN1 (hemicentin 1; plus strand). Cytogenetic location: 1q31.1.
Variant type: single nucleotide variant.
Coding change: c.3206A>T on transcript NM_031935.3 (MANE Select); coding-DNA position 3206, A replaced by T.
Protein change: p.Tyr1069Phe; replaces tyrosine 1069 with phenylalanine.
Molecular consequence: missense variant.
Genome position (GRCh38, 1-based): chr1:185,989,645, A>T. VCF-style: chr1-185989645-A-T. GRCh37 (hg19) VCF-style: chr1-185958777-A-T.
Other names: short protein forms Y1069F.
Identifiers: ClinVar variation 2126397 (VCV002126397.4), dbSNP rs2527392202, ClinGen allele CA343893326.